The following is an entry in ClinVar:

ClinVar aggregate classification (germline): Likely benign. Review status: criteria provided, multiple submitters, no conflicts (2 of 4 stars). 3 submissions from 3 submitters: Likely benign (2). 1 of the submissions does not count toward it. Last evaluated 2024-07-01.

Conditions:
KMT2C-related disorder. Also called: KMT2C-related condition; KMT2C-related disorders.

gnomAD v4.1: 11 of 1,613,994 alleles (0.00068%); highest among the groups gnomAD compares: African/African-American, 0.0013%; no homozygotes.

Submissions (3):

CeGaT Center for Human Genetics Tuebingen
Classification: Likely benign. Last evaluated: 2024-07-01. Review status: criteria provided, single submitter. Criteria: CeGaT Center For Human Genetics Tuebingen Variant Classification Criteria Version 2. Collection method: clinical testing. Allele origin: germline. Affected: yes. Observed: 2 variant alleles.
Comment: KMT2C: BP4, BP7

Labcorp Genetics (formerly Invitae), Labcorp
Classification: Likely benign. Last evaluated: 2023-06-12. Review status: criteria provided, single submitter. Criteria: Invitae Variant Classification Sherloc (09022015). Collection method: clinical testing. Allele origin: germline.

PreventionGenetics, part of Exact Sciences
Classification: Likely benign for KMT2C-related condition. Last evaluated: 2019-04-29. Review status: no assertion criteria provided. Collection method: clinical testing. Allele origin: germline. Not counted in ClinVar's aggregate classification.
Comment: This variant is classified as likely benign based on ACMG/AMP sequence variant interpretation guidelines (Richards et al. 2015 PMID: 25741868, with internal and published modifications).

NM_170606.3(KMT2C):c.12444G>A (p.Pro4148=)

Gene: KMT2C (lysine methyltransferase 2C; minus strand). Cytogenetic location: 7q36.1.
Variant type: single nucleotide variant.
Coding change: c.12444G>A on transcript NM_170606.3 (MANE Select); coding-DNA position 12444, G replaced by A.
Protein change: p.Pro4148=; no amino-acid change (proline 4148 retained).
Molecular consequence: synonymous variant.
Genome position (GRCh38, 1-based): chr7:152,152,787, C>T on the plus strand (G>A on the coding strand, the complement: KMT2C is on the minus strand). VCF-style: chr7-152152787-C-T. GRCh37 (hg19) VCF-style: chr7-151849872-C-T.
Other names: c.12444G>A (NM_170606.2).
Identifiers: ClinVar variation 2658197 (VCV002658197.28), dbSNP rs147957197, ClinGen allele CA4578798.
Genomic context (GRCh38, chr7:152,152,787, plus strand): 5'-TACATTAGGCTGCTTCAGCCGGTAAGAGCTCACTAATCTGGGAGGGTTTGCAGATCCTGG[C>T]GGAGGCCCACGGAGAAGTAAATGCTGTCGATACTCCAAACCCGGGTTGATTCTGTGGCTA-3'
Protein context (NP_733751.2, residues 4138-4158): YRQHLLLRGP[Pro4148=]PGSANPPRLV